The following is an entry in ClinVar:

ClinVar aggregate classification (germline): Likely pathogenic (1 of 4 stars; one submission).

Conditions:
Bardet-Biedl syndrome 2 (BBS2). Identifiers: Orphanet 110, MedGen C2936863, MONDO:0014432, OMIM 615981.

Submission:

Natera, Inc.
Classification: Likely pathogenic for Bardet-Biedl syndrome type 2. Last evaluated: 2024-05-03. Review status: criteria provided, single submitter. Criteria: Natera Variant Classification Schema (03/2026). Collection method: clinical testing. Allele origin: germline.
Comment: The c.1347delA variant in BBS2 is a frameshift variant predicted to shift the reading frame beginning at codon 450 and leads to a stop codon 8 codons downstream. This variant is expected to result in nonsense mediated decay, truncation, or a dysfunctional protein product. This variant is rare in the general population with a frequency below the threshold expected for the associated phenotype(s). Given the available evidence, this variant is classified as Likely Pathogenic.

NM_031885.5(BBS2):c.1347del (p.Asp450fs)

Gene: BBS2 (Bardet-Biedl syndrome 2; minus strand). Cytogenetic location: 16q13.
Variant type: Deletion.
Coding change: c.1347del on transcript NM_031885.5 (MANE Select); coding-DNA position 1347, one base deleted (A; older notation c.1347delA).
Protein change: p.Asp450fs; shifts the reading frame from aspartic acid 450.
Molecular consequence: frameshift variant. On other transcripts: non-coding transcript variant (2).
Genome position (GRCh38, 1-based): chr16:56,500,904, T deleted on the plus strand (A on the coding strand, the reverse complement: BBS2 is on the minus strand); the first of 3 consecutive T bases (chr16:56,500,904-56,500,906); deleting any one gives the same sequence. VCF-style (leftmost placement, unchanged base first): chr16-56500903-CT-C. GRCh37 (hg19) VCF-style: chr16-56534815-CT-C.
Other names: c.1347del, p.Asp450fs (NM_001377456.1); short protein forms D450fs.
Identifiers: ClinVar variation 4816280 (VCV004816280.1).